The following is an entry in ClinVar:

NM_006440.5(TXNRD2):c.571C>T (p.Arg191Trp)

Gene: TXNRD2 (thioredoxin reductase 2; minus strand). Cytogenetic location: 22q11.21.
Variant type: single nucleotide variant.
Coding change: c.571C>T on transcript NM_006440.5 (MANE Select); coding-DNA position 571, C replaced by T.
Protein change: p.Arg191Trp; replaces arginine 191 with tryptophan.
Molecular consequence: missense variant. On other transcripts: non-coding transcript variant (1).
Genome position (GRCh38, 1-based): chr22:19,915,234, G>A on the plus strand (C>T on the coding strand, the complement: TXNRD2 is on the minus strand). VCF-style: chr22-19915234-G-A. GRCh37 (hg19) VCF-style: chr22-19902757-G-A.
Other names: c.571C>T (NM_006440.3); c.571C>T, p.Arg191Trp (NM_001282512.3); c.568C>T, p.Arg190Trp (NM_001352300.2); c.481C>T, p.Arg161Trp (NM_001352301.2); c.283C>T, p.Arg95Trp (NM_001352302.2); c.475C>T, p.Arg159Trp (NM_001352303.2); short protein forms R190W, R161W, R191W, R159W, R95W.
Identifiers: ClinVar variation 836345 (VCV000836345.11), dbSNP rs751123675, ClinGen allele CA10104127.
Genomic context (GRCh38, chr22:19,915,234, plus strand): 5'-GGCCACGGCAGCAGGGACGCTATGCTCTGGGGACACTCACGTGCGTGGGGTATCTCGGCC[G>A]CCCTCCAGTAGCAATGATGATGTGATCGGCTGACAGCAGAATCTGAGGAGAAAAAGAGAA-3'
Protein context (NP_006431.2, residues 181-201): ADHIIIATGG[Arg191Trp]PRYPTHIEGA

ClinVar aggregate classification (germline): Uncertain significance. Review status: criteria provided, multiple submitters, no conflicts (2 of 4 stars). 2 submissions from 2 submitters: Uncertain significance (2). Last evaluated 2025-12-01.

Conditions:
Primary dilated cardiomyopathy (DCM). Also called: Dilated Cardiomyopathy. Identifiers: Orphanet 217604, MedGen C0007193, MeSH D002311, MONDO:0005021, HP:0001644. Inheritance: Various modes of inheritance.
Cardiovascular phenotype. Identifiers: MedGen CN230736.

Allele frequency attached by ClinVar (database versions not stated): gnomAD 0.00002; gnomAD exomes 0.00003 and 0.00006; TOPMed 0.00004; ExAC 0.00008.
gnomAD v4.1: 53 of 1,613,742 alleles (0.0033%); highest among the groups gnomAD compares: Non-Finnish European, 0.0042%; no homozygotes.

Submissions (2):

Labcorp Genetics (formerly Invitae), Labcorp
Classification: Uncertain significance for Primary dilated cardiomyopathy. Last evaluated: 2025-12-01. Review status: criteria provided, single submitter. Criteria: Invitae Variant Classification Sherloc (09022015). Collection method: clinical testing. Allele origin: germline.
Comment: This sequence change replaces arginine, which is basic and polar, with tryptophan, which is neutral and slightly polar, at codon 191 of the TXNRD2 protein (p.Arg191Trp). This variant is present in population databases (rs751123675, gnomAD 0.009%). This variant has not been reported in the literature in individuals affected with TXNRD2-related conditions. ClinVar contains an entry for this variant (Variation ID: 836345). Invitae Evidence Modeling of protein sequence and biophysical properties (such as structural, functional, and spatial information, amino acid conservation, physicochemical variation, residue mobility, and thermodynamic stability) indicates that this missense variant is expected to disrupt TXNRD2 protein function with a positive predictive value of 80%. In summary, the available evidence is currently insufficient to determine the role of this variant in disease. Therefore, it has been classified as a Variant of Uncertain Significance.

Ambry Genetics
Classification: Uncertain significance for Cardiovascular phenotype. Last evaluated: 2025-05-22. Review status: criteria provided, single submitter. Criteria: Ambry Variant Classification Scheme 2023. Collection method: clinical testing. Allele origin: germline.
Comment: The p.R191W variant (also known as c.571C>T), located in coding exon 7 of the TXNRD2 gene, results from a C to T substitution at nucleotide position 571. The arginine at codon 191 is replaced by tryptophan, an amino acid with dissimilar properties. This amino acid position is highly conserved in available vertebrate species. In addition, the in silico prediction for this alteration is inconclusive. The evidence for this gene-disease relationship is limited; therefore, the clinical significance of this alteration is unclear.